The following is an entry in ClinVar:

NM_014249.4(NR2E3):c.333G>A (p.Ala111=)

Gene: NR2E3 (nuclear receptor subfamily 2 group E member 3; plus strand). Cytogenetic location: 15q23.
Variant type: single nucleotide variant.
Coding change: c.333G>A on transcript NM_014249.4 (MANE Select); coding-DNA position 333, G replaced by A.
Protein change: p.Ala111=; no amino-acid change (alanine 111 retained).
Molecular consequence: synonymous variant.
Genome position (GRCh38, 1-based): chr15:71,811,853, G>A. VCF-style: chr15-71811853-G-A. GRCh37 (hg19) VCF-style: chr15-72104193-G-A.
Other names: c.333G>A, p.Ala111= (NM_016346.4).
Identifiers: ClinVar variation 787122 (VCV000787122.17), dbSNP rs900546, ClinGen allele CA7640285.

ClinVar aggregate classification (germline): Benign/Likely benign. Review status: criteria provided, multiple submitters, no conflicts (2 of 4 stars). 6 submissions from 5 submitters: Benign (2); Likely benign (3). 1 of the submissions does not count toward it. Last evaluated 2026-08-05.

Conditions:
Retinitis pigmentosa 37 (RP37). Identifiers: Orphanet 791, MedGen C1970163, MONDO:0012625, OMIM 611131.
Enhanced S-cone syndrome (ESCS). Identifiers: Orphanet 53540, MedGen C1849394, MONDO:0100288, MONDO:0009989.
Retinitis pigmentosa (RP). Identifiers: Orphanet 791, MedGen C0035334, MeSH D012174, MONDO:0019200, OMIM 268000. Inheritance: Autosomal dominant, autosomal recessive and X linked inheritance.
NR2E3-related disorder. Also called: NR2E3-related disorders; NR2E3-related condition. Identifiers: MedGen CN239387.

Allele frequency attached by ClinVar (database versions not stated): ESP Exome Variant Server 0.00117; gnomAD 0.00212 and 0.00228; 1000 Genomes Project 30x 0.00234; 1000 Genomes Project 0.00240; TOPMed 0.00260.
gnomAD v4.1: 681 of 1,551,276 alleles (0.044%); highest among the groups gnomAD compares: African/African-American, 0.78%; 4 homozygotes.

Submissions (6):

PreventionGenetics, part of Exact Sciences
Classification: Benign for NR2E3-related condition. Last evaluated: 2026-08-05. Review status: criteria provided, single submitter. Criteria: ACMG Guidelines, 2015. Collection method: clinical testing. Allele origin: germline.
Comment: This variant is classified as benign based on ACMG/AMP sequence variant interpretation guidelines (Richards et al. 2015 PMID: 25741868, with internal and published modifications).

Labcorp Genetics (formerly Invitae), Labcorp
Classification: Likely benign. Last evaluated: 2026-01-25. Review status: criteria provided, single submitter. Criteria: Invitae Variant Classification Sherloc (09022015). Collection method: clinical testing. Allele origin: germline.

Blueprint Genetics
Classification: Likely benign. Last evaluated: 2024-09-11. Review status: criteria provided, single submitter. Criteria: ACMG Guidelines, 2015. Collection method: clinical testing. Allele origin: germline.

Illumina Laboratory Services, Illumina
Classification: Likely benign for Retinitis pigmentosa. Last evaluated: 2018-01-13. Review status: criteria provided, single submitter. Criteria: ICSL Variant Classification Criteria 13 December 2019. Collection method: clinical testing. Allele origin: germline.
Comment: This variant was observed in the ICSL laboratory as part of a predisposition screen in an ostensibly healthy population. It had not been previously curated by ICSL or reported in the Human Gene Mutation Database (HGMD: prior to June 1st, 2018), and was therefore a candidate for classification through an automated scoring system. Utilizing variant allele frequency, disease prevalence and penetrance estimates, and inheritance mode, an automated score was calculated to assess if this variant is too frequent to cause the disease. Based on the score and internal cut-off values, a variant classified as likely benign is not then subjected to further curation. The score for this variant resulted in a classification of likely benign for this disease.

Illumina Laboratory Services, Illumina
Classification: Benign for Retinitis pigmentosa 37. Last evaluated: 2017-04-28. Review status: criteria provided, single submitter. Criteria: ICSL Variant Classification Criteria 13 December 2019. Collection method: clinical testing. Allele origin: germline.
Comment: This variant was observed as part of a predisposition screen in an ostensibly healthy population. A literature search was performed for the gene, cDNA change, and amino acid change (where applicable). No publications were found based on this search. Allele frequency data from public databases was too high to be consistent with this variant causing disease. Therefore, this variant is classified as benign.

Natera, Inc.
Classification: Uncertain significance for Enhanced S cone syndrome. Last evaluated: 2020-04-17. Review status: no assertion criteria provided. Collection method: clinical testing. Allele origin: germline. Not counted in ClinVar's aggregate classification.